The following is an entry in ClinVar:

NM_000444.6(PHEX):c.2179T>C (p.Phe727Leu)

Genes: PHEX (phosphate regulating endopeptidase X-linked; plus strand), PTCHD1-AS (PTCHD1 and PHEX antisense RNA; minus strand). Cytogenetic location: Xp22.11.
Variant type: single nucleotide variant.
Coding change: c.2179T>C on transcript NM_000444.6 (MANE Select); coding-DNA position 2179, T replaced by C.
Protein change: p.Phe727Leu; replaces phenylalanine 727 with leucine.
Molecular consequence: missense variant. On other transcripts: 3 prime UTR variant (1).
Genome position (GRCh38, 1-based): chrX:22,247,882, T>C. VCF-style: chrX-22247882-T-C. GRCh37 (hg19) VCF-style: chrX-22265999-T-C.
Other names: c.*14T>C (NM_001282754.2); short protein forms F727L.
Identifiers: ClinVar variation 1052063 (VCV001052063.10), dbSNP rs2147217293, ClinGen allele CA412575415.

ClinVar aggregate classification (germline): Pathogenic (1 of 4 stars; one submission).

Submission:

Labcorp Genetics (formerly Invitae), Labcorp
Classification: Pathogenic. Last evaluated: 2022-04-26. Review status: criteria provided, single submitter. Criteria: Invitae Variant Classification Sherloc (09022015). Collection method: clinical testing. Allele origin: germline.
Comment: For these reasons, this variant has been classified as Pathogenic. Experimental studies have shown that this missense change affects PHEX function (PMID: 32511895). Advanced modeling of protein sequence and biophysical properties (such as structural, functional, and spatial information, amino acid conservation, physicochemical variation, residue mobility, and thermodynamic stability) performed at Invitae indicates that this missense variant is expected to disrupt PHEX protein function. ClinVar contains an entry for this variant (Variation ID: 1052063). This missense change has been observed in individual(s) with hypophosphatemic rickets (PMID: 32329911, 32511895; Invitae). This variant is not present in population databases (gnomAD no frequency). This sequence change replaces phenylalanine, which is neutral and non-polar, with leucine, which is neutral and non-polar, at codon 727 of the PHEX protein (p.Phe727Leu).

Literature cited by the submitters: PubMed 32511895; PubMed 32329911.